The following is an entry in ClinVar:

NM_000051.4(ATM):c.870T>G (p.His290Gln)

Gene: ATM (ATM serine/threonine kinase; plus strand). Cytogenetic location: 11q22.3.
Variant type: single nucleotide variant.
Coding change: c.870T>G on transcript NM_000051.4 (MANE Select); coding-DNA position 870, T replaced by G.
Protein change: p.His290Gln; replaces histidine 290 with glutamine.
Molecular consequence: missense variant.
Genome position (GRCh38, 1-based): chr11:108,244,995, T>G. VCF-style: chr11-108244995-T-G. GRCh37 (hg19) VCF-style: chr11-108115722-T-G.
Other names: c.870T>G, p.His290Gln (NM_001351834.2); short protein forms H290Q.
Identifiers: ClinVar variation 2777261 (VCV002777261.3), dbSNP rs780618264, ClinGen allele CA382529534.

ClinVar aggregate classification (germline): Uncertain significance (1 of 4 stars; one submission).

Conditions:
Ataxia-telangiectasia syndrome (AT). Also called: Cerebello-oculocutaneous telangiectasia; Immunodeficiency with ataxia telangiectasia; Ataxia-telangiectasia, complementation group E; Ataxia telangiectasia (A-T); LOUIS-BAR SYNDROME; ATAXIA-TELANGIECTASIA, COMPLEMENTATION GROUP A. Identifiers: Orphanet 100, MedGen C0004135, MONDO:0008840, OMIM 208900.

Submission:

Labcorp Genetics (formerly Invitae), Labcorp
Classification: Uncertain significance for Ataxia-telangiectasia syndrome. Last evaluated: 2025-11-17. Review status: criteria provided, single submitter. Criteria: Invitae Variant Classification Sherloc (09022015). Collection method: clinical testing. Allele origin: germline.
Comment: This sequence change replaces histidine, which is basic and polar, with glutamine, which is neutral and polar, at codon 290 of the ATM protein (p.His290Gln). This variant is not present in population databases (gnomAD no frequency). This variant has not been reported in the literature in individuals affected with ATM-related conditions. ClinVar contains an entry for this variant (Variation ID: 2777261). Invitae Evidence Modeling of protein sequence and biophysical properties (such as structural, functional, and spatial information, amino acid conservation, physicochemical variation, residue mobility, and thermodynamic stability) indicates that this missense variant is not expected to disrupt ATM protein function with a negative predictive value of 95%. In summary, the available evidence is currently insufficient to determine the role of this variant in disease. Therefore, it has been classified as a Variant of Uncertain Significance.